The following is an entry in ClinVar:

ClinVar aggregate classification (germline): Uncertain significance. Review status: criteria provided, multiple submitters, no conflicts (2 of 4 stars). 2 submissions from 2 submitters: Uncertain significance (2). Last evaluated 2024-06-18.

Conditions:
Autosomal dominant spastic paraplegia type 9. Identifiers: MedGen C1832669, MONDO:0015091.
de Barsy syndrome. Also called: Cutis laxa-corneal clouding-oligophrenia syndrome. Identifiers: Orphanet 2962, MedGen C0268354, MONDO:0017569.
Cutis laxa, autosomal dominant 3 (ADCL3). Identifiers: Orphanet 90348, MedGen C4225268, MONDO:0014706, OMIM 616603.

Allele frequency attached by ClinVar (database versions not stated): gnomAD 0.00001; gnomAD exomes 0.00001.
gnomAD v4.1: 13 of 1,613,892 alleles (0.00081%); highest among the groups gnomAD compares: South Asian, 0.0022%; no homozygotes.

Submissions (2):

GeneDx
Classification: Uncertain significance. Last evaluated: 2024-06-18. Review status: criteria provided, single submitter. Criteria: GeneDx Variant Classification Process June 2021. Collection method: clinical testing. Allele origin: germline. Affected: yes.
Comment: Not observed at significant frequency in large population cohorts (gnomAD); In silico analysis supports that this missense variant has a deleterious effect on protein structure/function; Has not been previously published as pathogenic or benign to our knowledge

Labcorp Genetics (formerly Invitae), Labcorp
Classification: Uncertain significance for Autosomal dominant spastic paraplegia type 9; de Barsy syndrome; Cutis laxa, autosomal dominant 3. Last evaluated: 2024-02-23. Review status: criteria provided, single submitter. Criteria: Invitae Variant Classification Sherloc (09022015). Collection method: clinical testing. Allele origin: germline.
Comment: This sequence change replaces arginine, which is basic and polar, with cysteine, which is neutral and slightly polar, at codon 453 of the ALDH18A1 protein (p.Arg453Cys). This variant is present in population databases (no rsID available, gnomAD 0.0009%). This variant has not been reported in the literature in individuals affected with ALDH18A1-related conditions. ClinVar contains an entry for this variant (Variation ID: 2194316). Advanced modeling of protein sequence and biophysical properties (such as structural, functional, and spatial information, amino acid conservation, physicochemical variation, residue mobility, and thermodynamic stability) has been performed at Invitae for this missense variant, however the output from this modeling did not meet the statistical confidence thresholds required to predict the impact of this variant on ALDH18A1 protein function. In summary, the available evidence is currently insufficient to determine the role of this variant in disease. Therefore, it has been classified as a Variant of Uncertain Significance.

NM_002860.4(ALDH18A1):c.1357C>T (p.Arg453Cys)

Gene: ALDH18A1 (aldehyde dehydrogenase 18 family member A1; minus strand). Cytogenetic location: 10q24.1.
Variant type: single nucleotide variant.
Coding change: c.1357C>T on transcript NM_002860.4 (MANE Select); coding-DNA position 1357, C replaced by T.
Protein change: p.Arg453Cys; replaces arginine 453 with cysteine.
Molecular consequence: missense variant.
Genome position (GRCh38, 1-based): chr10:95,621,141, G>A on the plus strand (C>T on the coding strand, the complement: ALDH18A1 is on the minus strand). VCF-style: chr10-95621141-G-A. GRCh37 (hg19) VCF-style: chr10-97380898-G-A.
Other names: c.1351C>T, p.Arg451Cys (NM_001017423.2, NM_001323415.2); c.1024C>T, p.Arg342Cys (NM_001323412.2, NM_001323416.2); c.1357C>T, p.Arg453Cys (NM_001323413.2, NM_001323414.2); c.1252C>T, p.Arg418Cys (NM_001323417.2); c.1018C>T, p.Arg340Cys (NM_001323418.2); c.721C>T, p.Arg241Cys (NM_001323419.2); c.1357C>T (NM_002860.3); short protein forms R340C, R418C, R451C, R241C, R342C, R453C.
Identifiers: ClinVar variation 2194316 (VCV002194316.5), dbSNP rs1438015555, ClinGen allele CA377701443.
Genomic context (GRCh38, chr10:95,621,141, plus strand): 5'-TTGGGACAGTCACTTGTTCCAGTTCCAAGTTTTTGGCGATTCGGGTGCGGCGCAAAACAC[G>A]TCCCACGCTGTCCTGGGAGGAGGCTGCGATCTGTCGCAGACCGATGGCCAGGCTGTTCAA-3'
Protein context (NP_002851.2, residues 443-463): IAASSQDSVG[Arg453Cys]VLRRTRIAKN